The following is an entry in ClinVar:

NM_020987.5(ANK3):c.7140C>T (p.His2380=)

Gene: ANK3 (ankyrin 3; minus strand). Cytogenetic location: 10q21.2.
Variant type: single nucleotide variant.
Coding change: c.7140C>T on transcript NM_020987.5 (MANE Select); coding-DNA position 7140, C replaced by T.
Protein change: p.His2380=; no amino-acid change (histidine 2380 retained).
Molecular consequence: synonymous variant. On other transcripts: intron variant (4).
Genome position (GRCh38, 1-based): chr10:60,073,741, G>A on the plus strand (C>T on the coding strand, the complement: ANK3 is on the minus strand). VCF-style: chr10-60073741-G-A. GRCh37 (hg19) VCF-style: chr10-61833499-G-A.
Other names: c.4388-5732C>T (NM_001204403.2); c.4409-5732C>T (NM_001204404.2); c.4406-5732C>T (NM_001320874.2); c.1808-5732C>T (NM_001149.4).
Identifiers: ClinVar variation 128374 (VCV000128374.15), dbSNP rs3802696, ClinGen allele CA151799.

ClinVar aggregate classification (germline): Benign. Review status: criteria provided, multiple submitters, no conflicts (2 of 4 stars). 3 submissions from 3 submitters: Benign (2). 1 of the submissions does not count toward it. Last evaluated 2026-02-01.

Allele frequency attached by ClinVar (database versions not stated): gnomAD exomes 0.01064 and 0.03444; gnomAD 0.01444 and 0.01628; ExAC 0.02780; 1000 Genomes Project 30x 0.04216; 1000 Genomes Project 0.04273; ESP Exome Variant Server 0.00177; TOPMed 0.01836.
gnomAD v4.1: 18,421 of 1,613,824 alleles (1.1%); highest among the groups gnomAD compares: Admixed American, 12%; 1,015 homozygotes.

Submissions (3):

Labcorp Genetics (formerly Invitae), Labcorp
Classification: Benign. Last evaluated: 2026-02-01. Review status: criteria provided, single submitter. Criteria: Invitae Variant Classification Sherloc (09022015). Collection method: clinical testing. Allele origin: germline.

Breakthrough Genomics
Classification: Benign. Review status: criteria provided, single submitter. Criteria: ACMG Guidelines, 2015. Collection method: not provided. Allele origin: germline. Inheritance: Autosomal recessive inheritance. Affected: yes.

Genetic Services Laboratory, University of Chicago
Classification: Likely benign for AllHighlyPenetrant. Review status: no assertion criteria provided. Collection method: clinical testing. Allele origin: germline. Inheritance: Autosomal recessive inheritance. Not counted in ClinVar's aggregate classification.
Comment: Likely benign based on allele frequency in 1000 Genomes Project or ESP global frequency and its presence in a patient with a rare or unrelated disease phenotype. NOT Sanger confirmed.